The following is an entry in ClinVar:

ClinVar aggregate classification (germline): Benign/Likely benign. Review status: criteria provided, multiple submitters, no conflicts (2 of 4 stars). 3 submissions from 3 submitters: Benign (1); Likely benign (2). Last evaluated 2024-11-18.

Conditions:
STT3B-congenital disorder of glycosylation. Also called: CDG Ix; Congenital disorder of glycosylation type 1x; STT3B-CDG. Identifiers: Orphanet 370924, MedGen C2931007, MONDO:0014271, OMIM 615597.

Allele frequency attached by ClinVar (database versions not stated): ESP Exome Variant Server 0.00038; 1000 Genomes Project 0.00040; gnomAD 0.00041 and 0.00044; TOPMed 0.00042; 1000 Genomes Project 30x 0.00047; gnomAD exomes 0.00072 and 0.00082; ExAC 0.00089.
gnomAD v4.1: 1,223 of 1,587,626 alleles (0.077%); highest among the groups gnomAD compares: South Asian, 0.36%; 4 homozygotes.

Submissions (3):

Blueprint Genetics
Classification: Likely benign. Last evaluated: 2024-11-18. Review status: criteria provided, single submitter. Criteria: ACMG Guidelines, 2015. Collection method: clinical testing. Allele origin: germline.

Labcorp Genetics (formerly Invitae), Labcorp
Classification: Benign for STT3B-congenital disorder of glycosylation. Last evaluated: 2022-11-15. Review status: criteria provided, single submitter. Criteria: Invitae Variant Classification Sherloc (09022015). Collection method: clinical testing. Allele origin: germline.

GeneDx
Classification: Likely benign. Last evaluated: 2016-07-08. Review status: criteria provided, single submitter. Criteria: GeneDx Variant Classification (06012015). Collection method: clinical testing. Allele origin: germline. Affected: yes.
Comment: This variant is considered likely benign or benign based on one or more of the following criteria: it is a conservative change, it occurs at a poorly conserved position in the protein, it is predicted to be benign by multiple in silico algorithms, and/or has population frequency not consistent with disease.

NM_178862.3(STT3B):c.2401-17G>T

Gene: STT3B (STT3 oligosaccharyltransferase complex catalytic subunit B; plus strand). Cytogenetic location: 3p23.
Variant type: single nucleotide variant.
Coding change: c.2401-17G>T on transcript NM_178862.3 (MANE Select); 17 bases into the intron before coding-DNA position 2401, G replaced by T.
Molecular consequence: intron variant.
Genome position (GRCh38, 1-based): chr3:31,635,967, G>T. VCF-style: chr3-31635967-G-T. GRCh37 (hg19) VCF-style: chr3-31677459-G-T.
Identifiers: ClinVar variation 385853 (VCV000385853.10), dbSNP rs370120522, ClinGen allele CA2295419.